The following is an entry in ClinVar:

ClinVar aggregate classification (germline): Uncertain significance. Review status: criteria provided, multiple submitters, no conflicts (2 of 4 stars). 2 submissions from 2 submitters: Uncertain significance (2). Last evaluated 2024-03-29.

gnomAD v4.1: 79 of 1,613,464 alleles (0.0049%); highest among the groups gnomAD compares: East Asian, 0.17%; no homozygotes.

Submissions (2):

Ambry Genetics
Classification: Uncertain significance. Last evaluated: 2024-03-29. Review status: criteria provided, single submitter. Criteria: Ambry Variant Classification Scheme 2023. Collection method: clinical testing. Allele origin: germline.

Labcorp Genetics (formerly Invitae), Labcorp
Classification: Uncertain significance. Last evaluated: 2022-08-19. Review status: criteria provided, single submitter. Criteria: Invitae Variant Classification Sherloc (09022015). Collection method: clinical testing. Allele origin: germline.
Comment: This sequence change replaces arginine, which is basic and polar, with leucine, which is neutral and non-polar, at codon 56 of the EXOC6B protein (p.Arg56Leu). In summary, the available evidence is currently insufficient to determine the role of this variant in disease. Therefore, it has been classified as a Variant of Uncertain Significance. Experimental studies and prediction algorithms are not available or were not evaluated, and the functional significance of this variant is currently unknown. This variant has not been reported in the literature in individuals affected with EXOC6B-related conditions. This variant is present in population databases (rs201814463, gnomAD 0.1%), and has an allele count higher than expected for a pathogenic variant.

NM_015189.3(EXOC6B):c.167G>T (p.Arg56Leu)

Gene: EXOC6B (exocyst complex component 6B; minus strand). Cytogenetic location: 2p13.2.
Variant type: single nucleotide variant.
Coding change: c.167G>T on transcript NM_015189.3 (MANE Select); coding-DNA position 167, G replaced by T.
Protein change: p.Arg56Leu; replaces arginine 56 with leucine.
Molecular consequence: missense variant. On other transcripts: non-coding transcript variant (2), intron variant (1).
Genome position (GRCh38, 1-based): chr2:72,741,416, C>A on the plus strand (G>T on the coding strand, the complement: EXOC6B is on the minus strand). VCF-style: chr2-72741416-C-A. GRCh37 (hg19) VCF-style: chr2-72968545-C-A.
Other names: c.167G>T, p.Arg56Leu (NM_001321729.2, NM_001321730.2, NM_001321731.2 and 1 more transcripts); c.-60-8298G>T (NM_001321734.2); c.167G>T (NM_015189.1); short protein forms R56L.
Identifiers: ClinVar variation 1989447 (VCV001989447.4), dbSNP rs201814463, ClinGen allele CA1708813.